The following is an entry in ClinVar:

NM_003640.5(ELP1):c.955del (p.Cys319fs)

Gene: ELP1 (elongator acetyltransferase complex subunit 1; minus strand). Cytogenetic location: 9q31.3.
Variant type: Deletion.
Coding change: c.955del on transcript NM_003640.5 (MANE Select); coding-DNA position 955, one base deleted (T; older notation c.955delT).
Protein change: p.Cys319fs; shifts the reading frame from cysteine 319.
Molecular consequence: frameshift variant. On other transcripts: 5 prime UTR variant (1).
Genome position (GRCh38, 1-based): chr9:108,916,207, A deleted on the plus strand (T on the coding strand, the reverse complement: ELP1 is on the minus strand). VCF-style (leftmost placement, unchanged base first): chr9-108916206-CA-C. GRCh37 (hg19) VCF-style: chr9-111678486-CA-C.
Other names: c.955delT (NM_003640.4); c.613del, p.Cys205fs (NM_001318360.2); c.-93del (NM_001330749.2); short protein forms C205fs, C319fs.
Identifiers: ClinVar variation 2035730 (VCV002035730.5), dbSNP rs2537936285, ClinGen allele CA2579411925.

ClinVar aggregate classification (germline): Pathogenic/Likely pathogenic. Review status: criteria provided, multiple submitters, no conflicts (2 of 4 stars). 2 submissions from 2 submitters: Pathogenic (1); Likely pathogenic (1). Last evaluated 2025-03-17.

Conditions:
Familial dysautonomia. Also called: FD; HSAN III. Identifiers: Orphanet 1764, MedGen C0013364, MONDO:0009131, OMIM 223900. Disease mechanism: loss of function.

Submissions (2):

Natera, Inc.
Classification: Likely pathogenic for Familial dysautonomia. Last evaluated: 2025-03-17. Review status: criteria provided, single submitter. Criteria: Natera Variant Classification Schema (03/2026). Collection method: clinical testing. Allele origin: germline.
Comment: The c.955delT variant in ELP1 is a frameshift variant predicted to shift the reading frame beginning at codon 319 and leads to a stop codon 31 codons downstream. This variant is expected to result in nonsense mediated decay, truncation, or a dysfunctional protein product. This variant is rare in the general population with a frequency below the threshold expected for the associated phenotype(s). Given the available evidence, this variant is classified as Likely Pathogenic.

Labcorp Genetics (formerly Invitae), Labcorp
Classification: Pathogenic. Last evaluated: 2022-10-16. Review status: criteria provided, single submitter. Criteria: Invitae Variant Classification Sherloc (09022015). Collection method: clinical testing. Allele origin: germline.
Comment: For these reasons, this variant has been classified as Pathogenic. This variant has not been reported in the literature in individuals affected with ELP1-related conditions. This variant is not present in population databases (gnomAD no frequency). This sequence change creates a premature translational stop signal (p.Cys319Valfs*31) in the ELP1 gene. It is expected to result in an absent or disrupted protein product. Loss-of-function variants in ELP1 are known to be pathogenic (PMID: 18303054, 24173031).

Literature cited by the submitters: PubMed 18303054 (cited by Labcorp Genetics (formerly Invitae), Labcorp); PubMed 24173031 (cited by Labcorp Genetics (formerly Invitae), Labcorp).